The following is an entry in ClinVar:

NM_006947.4(SRP72):c.1481T>C (p.Val494Ala)

Gene: SRP72 (signal recognition particle 72; plus strand). Cytogenetic location: 4q12.
Variant type: single nucleotide variant.
Coding change: c.1481T>C on transcript NM_006947.4 (MANE Select); coding-DNA position 1481, T replaced by C.
Protein change: p.Val494Ala; replaces valine 494 with alanine.
Molecular consequence: missense variant. On other transcripts: non-coding transcript variant (1).
Genome position (GRCh38, 1-based): chr4:56,490,624, T>C. VCF-style: chr4-56490624-T-C. GRCh37 (hg19) VCF-style: chr4-57356790-T-C.
Other names: c.1298T>C, p.Val433Ala (NM_001267722.2); short protein forms V433A, V494A.
Identifiers: ClinVar variation 3801435 (VCV003801435.1).

ClinVar aggregate classification (germline): Uncertain significance (1 of 4 stars; one submission).

gnomAD v4.1: 2 of 1,613,864 alleles (0.00012%); highest among the groups gnomAD compares: Non-Finnish European, 0.00017%; no homozygotes.

Submission:

Ambry Genetics
Classification: Uncertain significance. Last evaluated: 2025-01-09. Review status: criteria provided, single submitter. Criteria: Ambry Variant Classification Scheme 2023. Collection method: clinical testing. Allele origin: germline.
Comment: The p.V494A variant (also known as c.1481T>C), located in coding exon 15 of the SRP72 gene, results from a T to C substitution at nucleotide position 1481. The valine at codon 494 is replaced by alanine, an amino acid with similar properties. This amino acid position is conserved. In addition, the in silico prediction for this alteration is inconclusive. Based on the available evidence, the clinical significance of this variant remains unclear.